The following is an entry in ClinVar:

ClinVar aggregate classification (germline): Likely pathogenic (1 of 4 stars; one submission).

Conditions:
Inborn genetic diseases. Identifiers: MedGen C0950123, MeSH D030342.

Submission:

Ambry Genetics
Classification: Likely pathogenic for Inborn genetic diseases. Last evaluated: 2018-06-21. Review status: criteria provided, single submitter. Criteria: Ambry Variant Classification Scheme 2023. Collection method: clinical testing. Allele origin: germline.
Comment: The c.732_734delCGAins17 variant, located in coding exon 2 of the TBR1 gene, results from the deletion of 3 nucleotides and insertion of 17 nucleotides (GGTCTGGTTTTAACATT) causing a translational frameshift with a predicted alternate stop codon (p.D245Vfs*4). This alteration is expected to result in loss of function by premature protein truncation or nonsense-mediated mRNA decay. As such, this alteration is classified as likely pathogenic.

NM_006593.4(TBR1):c.732_734delinsGGTCTGGTTTTAACATT (p.Asp245delinsValTrpPheTer)

Gene: TBR1 (T-box brain transcription factor 1; plus strand). Cytogenetic location: 2q24.2.
Variant type: Indel.
Coding change: c.732_734delinsGGTCTGGTTTTAACATT on transcript NM_006593.4 (MANE Select); coding-DNA positions 732 to 734, CGA replaced by GGTCTGGTTTTAACATT.
Protein change: p.Asp245delinsValTrpPheTer.
Molecular consequence: nonsense.
Genome position (GRCh38, 1-based): chr2:161,417,715-161,417,717, CGA replaced by GGTCTGGTTTTAACATT. VCF-style: chr2-161417715-CGA-GGTCTGGTTTTAACATT. GRCh37 (hg19) VCF-style: chr2-162274226-CGA-GGTCTGGTTTTAACATT.
Identifiers: ClinVar variation 1758318 (VCV001758318.2), dbSNP rs2468091705, ClinGen allele CA2580064139.
Genomic context (GRCh38, chr2:161,417,715, plus strand): 5'-CCCACCCCTTAATTTAAATAGGCGCATGTTTCCTTTTTTAAGTTTTAACATTTCTGGTCT[CGA>GGTCTGGTTTTAACATT]TCCCACGGCTCATTACAATATTTTTGTGGATGTGATTTTGGCGGATCCCAATCACTGGAG-3'